The following is an entry in ClinVar:

ClinVar aggregate classification (germline): Uncertain significance (1 of 4 stars; one submission).

Allele frequency attached by ClinVar (database versions not stated): gnomAD exomes 0.00001.
gnomAD v4.1: 4 of 1,614,048 alleles (0.00025%); highest among the groups gnomAD compares: Middle Eastern, 0.033%; no homozygotes.

Submission:

Labcorp Genetics (formerly Invitae), Labcorp
Classification: Uncertain significance. Last evaluated: 2023-06-20. Review status: criteria provided, single submitter. Criteria: Invitae Variant Classification Sherloc (09022015). Collection method: clinical testing. Allele origin: germline.
Comment: In summary, the available evidence is currently insufficient to determine the role of this variant in disease. Therefore, it has been classified as a Variant of Uncertain Significance. An algorithm developed to predict the effect of missense changes on protein structure and function (PolyPhen-2) suggests that this variant is likely to be tolerated. This variant has not been reported in the literature in individuals affected with AP3D1-related conditions. This variant is not present in population databases (gnomAD no frequency). This sequence change replaces isoleucine, which is neutral and non-polar, with valine, which is neutral and non-polar, at codon 162 of the AP3D1 protein (p.Ile162Val).

NM_001261826.3(AP3D1):c.484A>G (p.Ile162Val)

Gene: AP3D1 (adaptor related protein complex 3 subunit delta 1; minus strand). Cytogenetic location: 19p13.3.
Variant type: single nucleotide variant.
Coding change: c.484A>G on transcript NM_001261826.3 (MANE Select); coding-DNA position 484, A replaced by G.
Protein change: p.Ile162Val; replaces isoleucine 162 with valine.
Molecular consequence: missense variant.
Genome position (GRCh38, 1-based): chr19:2,130,516, T>C on the plus strand (A>G on the coding strand, the complement: AP3D1 is on the minus strand). VCF-style: chr19-2130516-T-C. GRCh37 (hg19) VCF-style: chr19-2130515-T-C.
Other names: c.484A>G, p.Ile162Val (NM_001374799.1, NM_003938.8); short protein forms I162V.
Identifiers: ClinVar variation 2807012 (VCV002807012.3), dbSNP rs2018909310, ClinGen allele CA403228421.